The following is an entry in ClinVar:

NM_003659.4(AGPS):c.5C>A (p.Ala2Glu)

Genes: AGPS (alkylglycerone phosphate synthase; plus strand), LOC129935172 (ATAC-STARR-seq lymphoblastoid silent region 12147; plus strand). Cytogenetic location: 2q31.2.
Variant type: single nucleotide variant.
Coding change: c.5C>A on transcript NM_003659.4 (MANE Select); coding-DNA position 5, C replaced by A.
Protein change: p.Ala2Glu; replaces alanine 2 with glutamic acid.
Molecular consequence: missense variant.
Genome position (GRCh38, 1-based): chr2:177,392,794, C>A. VCF-style: chr2-177392794-C-A. GRCh37 (hg19) VCF-style: chr2-178257522-C-A.
Other names: short protein forms A2E.
Identifiers: ClinVar variation 1448209 (VCV001448209.6), dbSNP rs946047503, ClinGen allele CA61411755.

ClinVar aggregate classification (germline): Uncertain significance (1 of 4 stars; one submission).

gnomAD v4.1: 4 of 1,496,258 alleles (0.00027%); highest among the groups gnomAD compares: Admixed American, 0.0069%; no homozygotes.

Submission:

Labcorp Genetics (formerly Invitae), Labcorp
Classification: Uncertain significance. Last evaluated: 2021-08-31. Review status: criteria provided, single submitter. Criteria: Invitae Variant Classification Sherloc (09022015). Collection method: clinical testing. Allele origin: germline.
Comment: This sequence change replaces alanine with glutamic acid at codon 2 of the AGPS protein (p.Ala2Glu). The alanine residue is weakly conserved and there is a moderate physicochemical difference between alanine and glutamic acid. The frequency data for this variant in the population databases is considered unreliable, as metrics indicate insufficient coverage at this position in the ExAC database. This variant has not been reported in the literature in individuals affected with AGPS-related conditions. Algorithms developed to predict the effect of missense changes on protein structure and function are either unavailable or do not agree on the potential impact of this missense change (SIFT: "Deleterious"; PolyPhen-2: "Not Available"; Align-GVGD: "Class C0"). In summary, the available evidence is currently insufficient to determine the role of this variant in disease. Therefore, it has been classified as a Variant of Uncertain Significance.